The following is an entry in ClinVar:

NM_018896.5(CACNA1G):c.6230-20_6230-8del

Gene: CACNA1G (calcium voltage-gated channel subunit alpha1 G; plus strand). Cytogenetic location: 17q21.33.
Variant type: Deletion.
Coding change: c.6230-20_6230-8del on transcript NM_018896.5 (MANE Select); 20 bases into the intron before coding-DNA position 6230 through 8 bases into the intron before coding-DNA position 6230, 13 bases deleted (CCGCTTCCCTCCC).
Molecular consequence: intron variant.
Genome position (GRCh38, 1-based): chr17:50,624,340-50,624,352, CCGCTTCCCTCCC deleted; deleting any 13 consecutive bases within chr17:50,624,333-50,624,352 gives the same sequence; the c. name uses the placement nearest the transcript's 3' end. VCF-style (leftmost placement, unchanged base first): chr17-50624332-CCCCTCCCCCGCTT-C. GRCh37 (hg19) VCF-style: chr17-48701693-CCCCTCCCCCGCTT-C.
Other names: c.5972-20_5972-8del (NM_001256325.2); c.6197-20_6197-8del (NM_198377.3); c.6062-20_6062-8del (NM_198380.3); c.5918-20_5918-8del (NM_198378.3, NM_001256334.2); c.6095-20_6095-8del (NM_198385.3); c.5951-20_5951-8del (NM_198384.3, NM_001256333.2); c.5930-20_5930-8del (NM_001256327.2); c.6041-20_6041-8del (NM_001256324.2); and 15 more.
Identifiers: ClinVar variation 3352570 (VCV003352570.1).

ClinVar aggregate classification (germline): Likely benign (0 of 4 stars; one submission).

Conditions:
CACNA1G-related disorder. Also called: CACNA1G-related disorders; CACNA1G-related condition.

Submission:

PreventionGenetics, part of Exact Sciences
Classification: Likely benign for CACNA1G-related condition. Last evaluated: 2019-05-16. Review status: no assertion criteria provided. Collection method: clinical testing. Allele origin: germline.
Comment: This variant is classified as likely benign based on ACMG/AMP sequence variant interpretation guidelines (Richards et al. 2015 PMID: 25741868, with internal and published modifications).